The following is an entry in ClinVar:

ClinVar aggregate classification (germline): Pathogenic (1 of 4 stars; one submission).

Conditions:
Glycogen storage disease, type II (IOPD). Also called: POMPE DISEASE, INFANTILE-ONSET; GLYCOGEN STORAGE DISEASE II, INFANTILE-ONSET; ACID ALPHA-GLUCOSIDASE DEFICIENCY, INFANTILE-ONSET; GAA DEFICIENCY, INFANTILE-ONSET; ACID MALTASE DEFICIENCY, INFANTILE-ONSET; CARDIOMEGALIA GLYCOGENICA DIFFUSA. Identifiers: Orphanet 365, MedGen C0017921, MONDO:0009290, OMIM 232300.

Submission:

Women's Health and Genetics/Laboratory Corporation of America, LabCorp
Classification: Pathogenic for Glycogen storage disease, type II. Last evaluated: 2022-11-16. Review status: criteria provided, single submitter. Criteria: LabCorp Variant Classification Summary - May 2015. Collection method: clinical testing. Allele origin: germline.
Comment: Variant summary: The variant identified by MLPA or other technology involves the deletion of exons 8-15 in the GAA gene. A presumed nomenclature of c.(1194+1_1195-1)_(2189+1_2190-1)del has been designated for the purposes of this classification. Although exact breakpoints of this deletion are not known, it is expected to result in a frameshift in the GAA gene, a known mechanism of disease. The variant was absent in 21694 control chromosomes in the gnomAD database (structural variants dataset). Variants representing the deletion of exons 8-15 have been reported in the literature in a compound heterozygous- and in a homozygous individual, both affected with infantile-onset Pompe disease (Huie_2002, Mori_2017). GAA enzyme activity was undetectable in the compound heterozygous patient's muscle cells, suggesting the variant is a null allele (Huie_2002). These data indicate that the variant is likely associated with disease. One other clinical diagnostic laboratory has submitted clinical-significance assessments for a similar variant to ClinVar after 2014, and classified the variant as pathogenic. Based on the evidence outlined above, the variant was classified as pathogenic.

Literature cited by the submitters: PubMed 29122469; PubMed 11854868; PubMed 31342611; PubMed 31254424.

NC_000017.10:g.(78082407_78082495)_(78087166_78090766)del

Gene: GAA (alpha glucosidase; plus strand). Cytogenetic location: 17q25.3.
Variant type: Deletion.
Identifiers: ClinVar variation 1804653 (VCV001804653.1).